The following is an entry in ClinVar:

NM_201384.3(PLEC):c.8669A>C (p.Lys2890Thr)

Gene: PLEC (plectin; minus strand). Cytogenetic location: 8q24.3.
Variant type: single nucleotide variant.
Coding change: c.8669A>C on transcript NM_201384.3 (MANE Select); coding-DNA position 8669, A replaced by C.
Protein change: p.Lys2890Thr; replaces lysine 2890 with threonine.
Molecular consequence: missense variant.
Genome position (GRCh38, 1-based): chr8:143,921,152, T>G on the plus strand (A>C on the coding strand, the complement: PLEC is on the minus strand). VCF-style: chr8-143921152-T-G. GRCh37 (hg19) VCF-style: chr8-144995320-T-G.
Other names: c.8750A>C, p.Lys2917Thr (NM_000445.5); c.8627A>C, p.Lys2876Thr (NM_201378.4); c.8603A>C, p.Lys2868Thr (NM_201379.3); c.9080A>C, p.Lys3027Thr (NM_201380.4); c.8573A>C, p.Lys2858Thr (NM_201381.3); c.8669A>C, p.Lys2890Thr (NM_201382.4); c.8681A>C, p.Lys2894Thr (NM_201383.3); c.8750A>C (NM_000445.3); short protein forms K2868T, K2876T, K2890T, K2894T, K2917T, K2858T, K3027T.
Identifiers: ClinVar variation 574704 (VCV000574704.9), dbSNP rs1554684207, ClinGen allele CA372515583.
Genomic context (GRCh38, chr8:143,921,152, plus strand): 5'-ACGGTGGCCTTCTCAAAGACGTCCCGGGCCTCGGAGTCAGTGTAGACCAGCTCCCCGCCC[T>G]TGGCAGCCTTATCCGTGAGTGGCAGAAGGCACAGGCCCGTCTCGGGGTCCTCCACGCAGC-3'
Protein context (NP_958786.1, residues 2880-2900): CLLPLTDKAA[Lys2890Thr]GGELVYTDSE

ClinVar aggregate classification (germline): Uncertain significance. Review status: criteria provided, multiple submitters, no conflicts (2 of 4 stars). 2 submissions from 2 submitters: Uncertain significance (2). Last evaluated 2025-12-31.

Conditions:
Epidermolysis bullosa simplex, Ogna type (EBS5A). Also called: Pidermolysis bullosa simplex 5A, Ogna type; EPIDERMOLYSIS BULLOSA SIMPLEX 5A, OGNA TYPE. Identifiers: Orphanet 79401, MedGen C0432317, MONDO:0007555, OMIM 131950.
Epidermolysis bullosa simplex with nail dystrophy (EBS5D). Identifiers: MedGen C4225309, MONDO:0014661, OMIM 616487.
Epidermolysis bullosa simplex 5C, with pyloric atresia (EBS5C). Also called: PLEC1-Related Epidermolysis Bullosa with Pyloric Atresia; PLEC-Related Epidermolysis Bullosa with Pyloric Atresia; Epidermolysis bullosa simplex with pyloric atresia. Identifiers: Orphanet 158684, MedGen C2677349, MONDO:0012807, OMIM 612138.
Autosomal recessive limb-girdle muscular dystrophy type 2Q (LGMDR17). Also called: MUSCULAR DYSTROPHY, LIMB-GIRDLE, AUTOSOMAL RECESSIVE 17. Identifiers: Orphanet 254361, MedGen C3150989, MONDO:0013390, OMIM 613723.
Epidermolysis bullosa simplex 5B, with muscular dystrophy (EBS5B). Also called: Epidermolysis bullosa simplex with muscular dystrophy; EPIDERMOLYSIS BULLOSA SIMPLEX AND LIMB-GIRDLE MUSCULAR DYSTROPHY. Identifiers: Orphanet 257, MedGen C2931072, MONDO:0009181, OMIM 226670.
Inborn genetic diseases. Identifiers: MedGen C0950123, MeSH D030342.

Allele frequency attached by ClinVar (database versions not stated): TOPMed below 0.00001.
gnomAD v4.1: 1 of 1,613,636 alleles (0.000062%); highest among the groups gnomAD compares: Non-Finnish European, 0.000085%; no homozygotes.

Submissions (2):

Ambry Genetics
Classification: Uncertain significance for Inborn genetic diseases. Last evaluated: 2025-12-31. Review status: criteria provided, single submitter. Criteria: Ambry Variant Classification Scheme 2023. Collection method: clinical testing. Allele origin: germline.

Labcorp Genetics (formerly Invitae), Labcorp
Classification: Uncertain significance for Autosomal recessive limb-girdle muscular dystrophy type 2Q; Epidermolysis bullosa simplex, Ogna type; Epidermolysis bullosa simplex with nail dystrophy; Epidermolysis bullosa simplex 5C, with pyloric atresia; Epidermolysis bullosa simplex 5B, with muscular dystrophy. Last evaluated: 2019-07-04. Review status: criteria provided, single submitter. Criteria: Invitae Variant Classification Sherloc (09022015). Collection method: clinical testing. Allele origin: germline.
Comment: This sequence change replaces lysine with threonine at codon 2917 of the PLEC protein (p.Lys2917Thr). The lysine residue is moderately conserved and there is a moderate physicochemical difference between lysine and threonine. This variant is not present in population databases (ExAC no frequency). This variant has not been reported in the literature in individuals with PLEC-related disease. Algorithms developed to predict the effect of missense changes on protein structure and function do not agree on the potential impact of this missense change (SIFT: "Tolerated"; PolyPhen-2: "Possibly Damaging"; Align-GVGD: "Class C0"). In summary, the available evidence is currently insufficient to determine the role of this variant in disease. Therefore, it has been classified as a Variant of Uncertain Significance.